The following is an entry in ClinVar:

ClinVar aggregate classification (germline): Uncertain significance (1 of 4 stars; one submission).

Conditions:
Hereditary cancer-predisposing syndrome. Also called: Neoplastic Syndromes, Hereditary; Tumor predisposition; Hereditary Cancer Syndrome; Hereditary neoplastic syndrome. Identifiers: Orphanet 140162, MedGen C0027672, MeSH D009386, MONDO:0015356.

Submission:

Ambry Genetics
Classification: Uncertain significance for Hereditary cancer-predisposing syndrome. Last evaluated: 2024-11-24. Review status: criteria provided, single submitter. Criteria: Ambry Variant Classification Scheme 2023. Collection method: clinical testing. Allele origin: germline.
Comment: The p.T693A variant (also known as c.2077A>G), located in coding exon 14 of the PTCH1 gene, results from an A to G substitution at nucleotide position 2077. The threonine at codon 693 is replaced by alanine, an amino acid with similar properties. This amino acid position is conserved. In addition, this alteration is predicted to be tolerated by in silico analysis. Based on the available evidence, the clinical significance of this variant remains unclear.

NM_000264.5(PTCH1):c.2077A>G (p.Thr693Ala)

Genes: PTCH1 (patched 1; minus strand), LOC100507346 (uncharacterized LOC100507346; plus strand). Cytogenetic location: 9q22.32.
Variant type: single nucleotide variant.
Coding change: c.2077A>G on transcript NM_000264.5 (MANE Select); coding-DNA position 2077, A replaced by G.
Protein change: p.Thr693Ala; replaces threonine 693 with alanine.
Molecular consequence: missense variant. On other transcripts: non-coding transcript variant (2).
Genome position (GRCh38, 1-based): chr9:95,468,924, T>C on the plus strand (A>G on the coding strand, the complement: PTCH1 is on the minus strand). VCF-style: chr9-95468924-T-C. GRCh37 (hg19) VCF-style: chr9-98231206-T-C.
Other names: c.1879A>G, p.Thr627Ala (NM_001083602.3); c.2074A>G, p.Thr692Ala (NM_001083603.3); c.1624A>G, p.Thr542Ala (NM_001083604.3, NM_001083605.3, NM_001083606.3 and 1 more transcripts); c.1921A>G, p.Thr641Ala (NM_001354918.2); short protein forms T542A, T627A, T641A, T693A, T692A.
Identifiers: ClinVar variation 3427334 (VCV003427334.1).